The following is an entry in ClinVar:

NM_000179.3(MSH6):c.2313G>A (p.Lys771=)

Gene: MSH6 (mutS homolog 6; plus strand). Cytogenetic location: 2p16.3.
Variant type: single nucleotide variant.
Coding change: c.2313G>A on transcript NM_000179.3 (MANE Select); coding-DNA position 2313, G replaced by A.
Protein change: p.Lys771=; no amino-acid change (lysine 771 retained).
Molecular consequence: synonymous variant.
Genome position (GRCh38, 1-based): chr2:47,800,296, G>A. VCF-style: chr2-47800296-G-A. GRCh37 (hg19) VCF-style: chr2-48027435-G-A.
Other names: c.1923G>A, p.Lys641= (NM_001281492.2); c.1407G>A, p.Lys469= (NM_001281493.2, NM_001281494.2).
Identifiers: ClinVar variation 821076 (VCV000821076.5), dbSNP rs1572726671, ClinGen allele CA426121452.

ClinVar aggregate classification (germline): Benign/Likely benign. Review status: criteria provided, multiple submitters, no conflicts (2 of 4 stars). 2 submissions from 2 submitters: Benign (1); Likely benign (1). Last evaluated 2024-12-31.

Conditions:
Lynch syndrome 5 (LYNCH5). Also called: Colorectal cancer, hereditary nonpolyposis, type 5; Hereditary non-polyposis colorectal cancer, type 5. Identifiers: Orphanet 144, MedGen C1833477, MONDO:0013710, OMIM 614350. Disease mechanism: loss of function.
Hereditary cancer-predisposing syndrome. Also called: Neoplastic Syndromes, Hereditary; Tumor predisposition; Hereditary Cancer Syndrome; Hereditary neoplastic syndrome. Identifiers: Orphanet 140162, MedGen C0027672, MeSH D009386, MONDO:0015356.

Submissions (2):

Myriad Genetics, Inc.
Classification: Benign for Lynch syndrome 5. Last evaluated: 2024-12-31. Review status: criteria provided, single submitter. Criteria: Myriad Autosomal Dominant, Autosomal Recessive and X-Linked Classification Criteria (2023). Collection method: clinical testing. Allele origin: unknown.
Comment: This variant is considered benign. This variant is a silent/synonymous amino acid change and it is not expected to impact splicing.

Ambry Genetics
Classification: Likely benign for Hereditary cancer-predisposing syndrome. Last evaluated: 2019-10-05. Review status: criteria provided, single submitter. Criteria: Ambry Variant Classification Scheme 2023. Collection method: clinical testing. Allele origin: germline.